The following is an entry in ClinVar:

ClinVar aggregate classification (germline): Uncertain significance. Review status: criteria provided, multiple submitters, no conflicts (2 of 4 stars). 3 submissions from 3 submitters: Uncertain significance (3). Last evaluated 2025-12-13.

Conditions:
Hypertrophic cardiomyopathy 14. Identifiers: MedGen C2750467, MONDO:0013197, OMIM 613251.
Cardiovascular phenotype. Identifiers: MedGen CN230736.

Allele frequency attached by ClinVar (database versions not stated): TOPMed 0.00001; gnomAD 0.00003; gnomAD exomes 0.00003 and 0.00004; ExAC 0.00004.
gnomAD v4.1: 51 of 1,614,080 alleles (0.0032%); highest among the groups gnomAD compares: South Asian, 0.022%; no homozygotes.

Submissions (3):

Labcorp Genetics (formerly Invitae), Labcorp
Classification: Uncertain significance for Hypertrophic cardiomyopathy 14. Last evaluated: 2025-12-13. Review status: criteria provided, single submitter. Criteria: Invitae Variant Classification Sherloc (09022015). Collection method: clinical testing. Allele origin: germline.
Comment: This sequence change replaces arginine, which is basic and polar, with glutamine, which is neutral and polar, at codon 1291 of the MYH6 protein (p.Arg1291Gln). This variant is present in population databases (rs780178869, gnomAD 0.02%). This variant has not been reported in the literature in individuals affected with MYH6-related conditions. ClinVar contains an entry for this variant (Variation ID: 916412). Invitae Evidence Modeling of protein sequence and biophysical properties (such as structural, functional, and spatial information, amino acid conservation, physicochemical variation, residue mobility, and thermodynamic stability) indicates that this missense variant is not expected to disrupt MYH6 protein function with a negative predictive value of 80%. In summary, the available evidence is currently insufficient to determine the role of this variant in disease. Therefore, it has been classified as a Variant of Uncertain Significance.

Ambry Genetics
Classification: Uncertain significance for Cardiovascular phenotype. Last evaluated: 2025-11-24. Review status: criteria provided, single submitter. Criteria: Ambry Variant Classification Scheme 2023. Collection method: clinical testing. Allele origin: germline.
Comment: The p.R1291Q variant (also known as c.3872G>A), located in coding exon 26 of the MYH6 gene, results from a G to A substitution at nucleotide position 3872. The arginine at codon 1291 is replaced by glutamine, an amino acid with highly similar properties. This amino acid position is highly conserved in available vertebrate species. In addition, the in silico prediction for this alteration is inconclusive. Since supporting evidence is limited at this time, the clinical significance of this alteration remains unclear.

GeneDx
Classification: Uncertain significance. Last evaluated: 2022-11-25. Review status: criteria provided, single submitter. Criteria: GeneDx Variant Classification Process June 2021. Collection method: clinical testing. Allele origin: germline. Affected: yes.
Comment: In silico analysis supports that this missense variant has a deleterious effect on protein structure/function; Has not been previously published as pathogenic or benign to our knowledge

NM_002471.4(MYH6):c.3872G>A (p.Arg1291Gln)

Gene: MYH6 (myosin heavy chain 6; minus strand). Cytogenetic location: 14q11.2.
Variant type: single nucleotide variant.
Coding change: c.3872G>A on transcript NM_002471.4 (MANE Select); coding-DNA position 3872, G replaced by A.
Protein change: p.Arg1291Gln; replaces arginine 1291 with glutamine.
Molecular consequence: missense variant.
Genome position (GRCh38, 1-based): chr14:23,389,499, C>T on the plus strand (G>A on the coding strand, the complement: MYH6 is on the minus strand). VCF-style: chr14-23389499-C-T. GRCh37 (hg19) VCF-style: chr14-23858708-C-T.
Other names: short protein forms R1291Q.
Identifiers: ClinVar variation 916412 (VCV000916412.23), dbSNP rs780178869, ClinGen allele CA7115029.